The following is an entry in ClinVar:

NC_000005.10:g.112846535A>T

Variant type: single nucleotide variant.
Genome position: GRCh38 VCF-style: chr5-112846535-A-T. GRCh37 (hg19) VCF-style: chr5-112182232-A-T.
Identifiers: ClinVar variation 83268 (VCV000083268.2), dbSNP rs433429, ClinGen allele CA250960.
Genomic context (GRCh38, chr5:112,846,535, plus strand): 5'-ACGGGCCAGTCTATACTACCCATTGAAGTAAAGACTGCTGGATGAGGCCCTCTGTTAGAG[A>T]TAGTGGTTCTGAATTAGTAAAGGGGCAAATCTCAATTCTAATTATAGATGTTCACAGGGT-3'

ClinVar aggregate classification (germline): other (0 of 4 stars; one submission).

Conditions:
Familial colorectal cancer. Identifiers: MedGen CN280943, MONDO:0023113. Disease mechanism: loss of function.

Submission:

Systems Biology Platform Zhejiang California International NanoSystems Institute
Classification: other for Familial colorectal cancer. Review status: no assertion criteria provided. Collection method: not provided. Allele origin: unknown.
ClinVar note: Converted during submission from cancer to other.